The following is an entry in ClinVar:

NM_001379180.1(ESRRB):c.*2906T>C

Gene: ESRRB (estrogen related receptor beta; plus strand). Cytogenetic location: 14q24.3.
Variant type: single nucleotide variant.
Coding change: c.*2906T>C on transcript NM_001379180.1 (MANE Select); 2906 bases downstream of the stop codon, T replaced by C.
Molecular consequence: 3 prime UTR variant.
Genome position (GRCh38, 1-based): chr14:76,501,364, T>C. VCF-style: chr14-76501364-T-C. GRCh37 (hg19) VCF-style: chr14-76967707-T-C.
Other names: c.*643T>C (NM_004452.4).
Identifiers: ClinVar variation 314496 (VCV000314496.6), dbSNP rs3829784, ClinGen allele CA10644992.

ClinVar aggregate classification (germline): Benign. Review status: criteria provided, multiple submitters, no conflicts (2 of 4 stars). 2 submissions from 2 submitters: Benign (2). Last evaluated 2018-01-12.

Conditions:
Autosomal recessive nonsyndromic hearing loss 35. Identifiers: Orphanet 90636, MedGen C1837857, MONDO:0012060, OMIM 608565.

Allele frequency attached by ClinVar (database versions not stated): 1000 Genomes Project 30x 0.39631; 1000 Genomes Project 0.39996; gnomAD exomes 0.42718; TOPMed 0.43075; gnomAD 0.43496 and 0.43637.
gnomAD v4.1: 66,596 of 152,208 alleles (44%); highest among the groups gnomAD compares: Middle Eastern, 58%; 15,384 homozygotes.

Submissions (2):

Illumina Laboratory Services, Illumina
Classification: Benign for Autosomal recessive nonsyndromic hearing loss 35. Last evaluated: 2018-01-12. Review status: criteria provided, single submitter. Criteria: ICSL Variant Classification Criteria 13 December 2019. Collection method: clinical testing. Allele origin: germline.
Comment: This variant was observed in the ICSL laboratory as part of a predisposition screen in an ostensibly healthy population. It had not been previously curated by ICSL or reported in the Human Gene Mutation Database (HGMD: prior to June 1st, 2018), and was therefore a candidate for classification through an automated scoring system. Utilizing variant allele frequency, disease prevalence and penetrance estimates, and inheritance mode, an automated score was calculated to assess if this variant is too frequent to cause the disease. Based on the score and internal cut-off values, a variant classified as benign is not then subjected to further curation. The score for this variant resulted in a classification of benign for this disease.

Breakthrough Genomics
Classification: Benign. Review status: criteria provided, single submitter. Criteria: ACMG Guidelines, 2015. Collection method: not provided. Allele origin: germline. Inheritance: Autosomal recessive inheritance. Affected: yes.